The following is an entry in ClinVar:

NM_001142864.4(PIEZO1):c.4608C>G (p.His1536Gln)

Gene: PIEZO1 (piezo type mechanosensitive ion channel component 1 (Er blood group); minus strand). Cytogenetic location: 16q24.3.
Variant type: single nucleotide variant.
Coding change: c.4608C>G on transcript NM_001142864.4 (MANE Select); coding-DNA position 4608, C replaced by G.
Protein change: p.His1536Gln; replaces histidine 1536 with glutamine.
Molecular consequence: missense variant.
Genome position (GRCh38, 1-based): chr16:88,722,897, G>C on the plus strand (C>G on the coding strand, the complement: PIEZO1 is on the minus strand). VCF-style: chr16-88722897-G-C. GRCh37 (hg19) VCF-style: chr16-88789305-G-C.
Other names: p.His1536Gln; c.4608C>G (NM_001142864.2); short protein forms H1536Q.
Identifiers: ClinVar variation 3380422 (VCV003380422.2).
Genomic context (GRCh38, chr16:88,722,897, plus strand): 5'-CTGCAGGAGCTCCTGTGTGAGGAGGTAGCGCTCTGCCCGCAGCACGTCGCTCATGGTGCC[G>C]TGGTGCCGGGTGAACTCCTGCAGCCAGCGTGTCAGCTCATCCACTAGCGCCTGCCCCAGC-3'
Protein context (NP_001136336.2, residues 1526-1546): TRWLQEFTRH[His1536Gln]GTMSDVLRAE

ClinVar aggregate classification (germline): Uncertain significance. Review status: criteria provided, multiple submitters, no conflicts (2 of 4 stars). 2 submissions from 2 submitters: Uncertain significance (2). Last evaluated 2025-11-12.

Conditions:
Inborn genetic diseases. Identifiers: MedGen C0950123, MeSH D030342.

gnomAD v4.1: 1 of 1,549,156 alleles (0.000065%); highest among the groups gnomAD compares: Non-Finnish European, 0.000087%; no homozygotes.

Submissions (2):

Ambry Genetics
Classification: Uncertain significance for Inborn genetic diseases. Last evaluated: 2025-11-12. Review status: criteria provided, single submitter. Criteria: Ambry Variant Classification Scheme 2023. Collection method: clinical testing. Allele origin: germline.

Mayo Clinic Laboratories, Mayo Clinic
Classification: Uncertain significance. Last evaluated: 2024-01-26. Review status: criteria provided, single submitter. Criteria: ACMG Guidelines, 2015. Collection method: clinical testing. Allele origin: germline. Observed: 1 variant allele.
Comment: PM2_moderate